The following is an entry in ClinVar:

NM_004991.4(MECOM):c.2411A>C (p.Asn804Thr)

Gene: MECOM (MDS1 and EVI1 complex locus; minus strand). Cytogenetic location: 3q26.2.
Variant type: single nucleotide variant.
Coding change: c.2411A>C on transcript NM_004991.4 (MANE Select); coding-DNA position 2411, A replaced by C.
Protein change: p.Asn804Thr; replaces asparagine 804 with threonine.
Molecular consequence: missense variant.
Genome position (GRCh38, 1-based): chr3:169,115,461, T>G on the plus strand (A>C on the coding strand, the complement: MECOM is on the minus strand). VCF-style: chr3-169115461-T-G. GRCh37 (hg19) VCF-style: chr3-168833249-T-G.
Other names: c.1847A>C (NM_001105078.3); c.2042A>C, p.Asn681Thr (NM_001105077.4); c.1847A>C, p.Asn616Thr (NM_001105078.4, NM_001164000.2, NM_001205194.2 and 4 more transcripts); c.1850A>C, p.Asn617Thr (NM_001163999.2, NM_001366467.2, NM_001366468.2 and 1 more transcripts); c.2411A>C, p.Asn804Thr (NM_001366466.2); c.1439A>C, p.Asn480Thr (NM_001366473.2); c.875A>C, p.Asn292Thr (NM_001366474.2); short protein forms N480T, N681T, N804T, N292T, N616T, N617T.
Identifiers: ClinVar variation 3871638 (VCV003871638.4).
Genomic context (GRCh38, chr3:169,115,461, plus strand): 5'-AAGAAAGGAGTGGGTCTTGCATGCTGCAAGGAACCATCTGAAGCAGGTCTTGATTCGACG[T>G]TGCTTCCTTTTTTTCCCCCAAACACGTGGTTTTTTCGAGGCTCAGTCAGCTTTGTCCCAC-3'
Protein context (NP_004982.2, residues 794-814): NHVFGGKKGS[Asn804Thr]VESRPASDGS

ClinVar aggregate classification (germline): Uncertain significance. Review status: criteria provided, multiple submitters, no conflicts (2 of 4 stars). 3 submissions from 3 submitters: Uncertain significance (3). Last evaluated 2025-08-11.

Conditions:
Inborn genetic diseases. Identifiers: MedGen C0950123, MeSH D030342.

gnomAD v4.1: 17 of 1,614,064 alleles (0.0011%); highest among the groups gnomAD compares: Non-Finnish European, 0.0013%; no homozygotes.

Submissions (3):

Labcorp Genetics (formerly Invitae), Labcorp
Classification: Uncertain significance. Last evaluated: 2025-08-11. Review status: criteria provided, single submitter. Criteria: Invitae Variant Classification Sherloc (09022015). Collection method: clinical testing. Allele origin: germline.
Comment: This sequence change replaces asparagine, which is neutral and polar, with threonine, which is neutral and polar, at codon 616 of the MECOM protein (p.Asn616Thr). This variant is not present in population databases (gnomAD no frequency). This variant has not been reported in the literature in individuals affected with MECOM-related conditions. ClinVar contains an entry for this variant (Variation ID: 3871638). An algorithm developed to predict the effect of missense changes on protein structure and function outputs the following: PolyPhen-2: "Benign". The threonine amino acid residue is found in multiple mammalian species, which suggests that this missense change does not adversely affect protein function. In summary, the available evidence is currently insufficient to determine the role of this variant in disease. Therefore, it has been classified as a Variant of Uncertain Significance.

Ambry Genetics
Classification: Uncertain significance for Inborn genetic diseases. Last evaluated: 2024-12-22. Review status: criteria provided, single submitter. Criteria: Ambry Variant Classification Scheme 2023. Collection method: clinical testing. Allele origin: germline.
Comment: The p.N804T variant (also known as c.2411A>C), located in coding exon 8 of the MECOM gene, results from an A to C substitution at nucleotide position 2411. The asparagine at codon 804 is replaced by threonine, an amino acid with similar properties. This amino acid position is conserved. In addition, this alteration is predicted to be tolerated by in silico analysis. Based on the available evidence, the clinical significance of this variant remains unclear.

Genetic Services Laboratory, University of Chicago
Classification: Uncertain significance. Last evaluated: 2023-10-11. Review status: criteria provided, single submitter. Criteria: ACMG Guidelines, 2015. Collection method: clinical testing. Allele origin: germline. Affected: no.
Comment: DNA sequence analysis of the MECOM gene demonstrated a sequence change, c.1847A>C, in exon 7 that results in an amino acid change, p.Asn616Thr. This sequence change does not appear to have been previously described in individuals with MECOM-related disorders and has also not been described in population databases such as ExAC and gnomAD. The p.Asn616Thr change affects a poorly conserved amino acid residue located in a domain of the MECOM protein that is not known to be functional. In-silico pathogenicity prediction tools (SIFT, PolyPhen2, Align GVGD, REVEL) provide contradictory results for the p.Asn616Thr substitution. Due to insufficient evidence and the lack of functional studies, the clinical significance of the p.Asn616Thr change remains unknown at this time.